The following is an entry in ClinVar:

ClinVar aggregate classification (germline): Uncertain significance (1 of 4 stars; one submission).

Conditions:
Long QT syndrome (LQTS). Identifiers: MedGen C0023976, MeSH D008133, MONDO:0002442. Disease mechanism: loss of function. Inheritance: Various modes of inheritance.

Allele frequency attached by ClinVar (database versions not stated): gnomAD exomes below 0.00001.
gnomAD v4.1: 1 of 1,614,106 alleles (0.000062%); highest among the groups gnomAD compares: Non-Finnish European, 0.000085%; no homozygotes.

Submission:

Labcorp Genetics (formerly Invitae), Labcorp
Classification: Uncertain significance for Long QT syndrome. Last evaluated: 2024-11-01. Review status: criteria provided, single submitter. Criteria: Invitae Variant Classification Sherloc (09022015). Collection method: clinical testing. Allele origin: germline.
Comment: This sequence change replaces asparagine, which is neutral and polar, with threonine, which is neutral and polar, at codon 2424 of the AKAP9 protein (p.Asn2424Thr). This variant is not present in population databases (gnomAD no frequency). This variant has not been reported in the literature in individuals affected with AKAP9-related conditions. ClinVar contains an entry for this variant (Variation ID: 2994295). An algorithm developed to predict the effect of missense changes on protein structure and function (PolyPhen-2) suggests that this variant is likely to be tolerated. In summary, the available evidence is currently insufficient to determine the role of this variant in disease. Therefore, it has been classified as a Variant of Uncertain Significance.

NM_005751.5(AKAP9):c.7271A>C (p.Asn2424Thr)

Gene: AKAP9 (A-kinase anchoring protein 9; plus strand). Cytogenetic location: 7q21.2.
Variant type: single nucleotide variant.
Coding change: c.7271A>C on transcript NM_005751.5 (MANE Select); coding-DNA position 7271, A replaced by C.
Protein change: p.Asn2424Thr; replaces asparagine 2424 with threonine.
Molecular consequence: missense variant.
Genome position (GRCh38, 1-based): chr7:92,079,404, A>C. VCF-style: chr7-92079404-A-C. GRCh37 (hg19) VCF-style: chr7-91708718-A-C.
Other names: c.1916A>C, p.Asn639Thr (NM_001379277.1); c.7247A>C, p.Asn2416Thr (NM_147185.3); short protein forms N2416T, N639T, N2424T.
Identifiers: ClinVar variation 2994295 (VCV002994295.3), dbSNP rs775766524, ClinGen allele CA368135361.
Genomic context (GRCh38, chr7:92,079,404, plus strand): 5'-CCGCTAATGAAGAAATGACCTTCATGAAAAATGTACTTAAAGAAACCAATTTTAAAATGA[A>C]TCAGCTAACACAGGAATTATTCAGCTTAAAGAGAGAACGTGAAAGTGTGGAAAAGATTCA-3'
Protein context (NP_005742.4, residues 2414-2434): NVLKETNFKM[Asn2424Thr]QLTQELFSLK